The following is an entry in ClinVar:

ClinVar aggregate classification (germline): Uncertain significance (1 of 4 stars; one submission).

Submission:

Labcorp Genetics (formerly Invitae), Labcorp
Classification: Uncertain significance. Last evaluated: 2022-08-16. Review status: criteria provided, single submitter. Criteria: Invitae Variant Classification Sherloc (09022015). Collection method: clinical testing. Allele origin: germline.
Comment: In summary, the available evidence is currently insufficient to determine the role of this variant in disease. Therefore, it has been classified as a Variant of Uncertain Significance. Advanced modeling of protein sequence and biophysical properties (such as structural, functional, and spatial information, amino acid conservation, physicochemical variation, residue mobility, and thermodynamic stability) performed at Invitae indicates that this missense variant is not expected to disrupt COL7A1 protein function. This variant has not been reported in the literature in individuals affected with COL7A1-related conditions. This variant is not present in population databases (gnomAD no frequency). This sequence change replaces proline, which is neutral and non-polar, with leucine, which is neutral and non-polar, at codon 2092 of the COL7A1 protein (p.Pro2092Leu).

NM_000094.4(COL7A1):c.6275C>T (p.Pro2092Leu)

Gene: COL7A1 (collagen type VII alpha 1 chain; minus strand). Cytogenetic location: 3p21.31.
Variant type: single nucleotide variant.
Coding change: c.6275C>T on transcript NM_000094.4 (MANE Select); coding-DNA position 6275, C replaced by T.
Protein change: p.Pro2092Leu; replaces proline 2092 with leucine.
Molecular consequence: missense variant.
Genome position (GRCh38, 1-based): chr3:48,575,068, G>A on the plus strand (C>T on the coding strand, the complement: COL7A1 is on the minus strand). VCF-style: chr3-48575068-G-A. GRCh37 (hg19) VCF-style: chr3-48612501-G-A.
Other names: short protein forms P2092L.
Identifiers: ClinVar variation 2070045 (VCV002070045.4), dbSNP rs2530961130, ClinGen allele CA352662041.